The following is an entry in ClinVar:

ClinVar aggregate classification (germline): Pathogenic/Likely pathogenic. Review status: criteria provided, multiple submitters, no conflicts (2 of 4 stars). 3 submissions from 3 submitters: Pathogenic (2); Likely pathogenic (1). Last evaluated 2022-02-08.

Conditions:
Cone dystrophy 3 (COD3). Also called: RETINAL CONE DYSTROPHY. Identifiers: Orphanet 1872, MedGen C1865869, MONDO:0011193, OMIM 602093.
GUCA1A-related disorders.

Submissions (3):

Labcorp Genetics (formerly Invitae), Labcorp
Classification: Pathogenic. Last evaluated: 2022-02-08. Review status: criteria provided, single submitter. Criteria: Invitae Variant Classification Sherloc (09022015). Collection method: clinical testing. Allele origin: germline.
Comment: For these reasons, this variant has been classified as Pathogenic. This variant disrupts the p.Glu111 amino acid residue in GUCA1A. Other variant(s) that disrupt this residue have been observed in individuals with GUCA1A-related conditions (PMID: 28041643; Invitae), which suggests that this may be a clinically significant amino acid residue. Experimental studies have shown that this missense change affects GUCA1A function (PMID: 30184081, 31882816). Algorithms developed to predict the effect of missense changes on protein structure and function are either unavailable or do not agree on the potential impact of this missense change (SIFT: "Not Available"; PolyPhen-2: "Possibly Damaging"; Align-GVGD: "Not Available"). ClinVar contains an entry for this variant (Variation ID: 962836). This missense change has been observed in individuals with cone-rod dystrophy (PMID: 30184081). It has also been observed to segregate with disease in related individuals. This variant is not present in population databases (gnomAD no frequency). This sequence change replaces glutamic acid, which is acidic and polar, with valine, which is neutral and non-polar, at codon 111 of the GUCA1A protein (p.Glu111Val).

SIB Swiss Institute of Bioinformatics
Classification: Likely pathogenic for Cone dystrophy 3. Last evaluated: 2020-06-05. Review status: criteria provided, single submitter. Criteria: ACMG Guidelines, 2015. Collection method: curation. Allele origin: unknown.
Comment: This variant is interpreted as likely pathogenic for Cone-rod dystrophy 14, autosomal dominant. The following ACMG Tag(s) were applied: Absent from controls (or at extremely low frequency if recessive) in Exome Sequencing Project, 1000 Genomes Project, or Exome Aggregation Consortium (PM2); Located in a mutational hot spot and/or critical and well-established functional domain (e.g., active site of an enzyme) without benign variation (PM1); Multiple lines of computational evidence support a deleterious effect on the gene or gene product (PP3); Well-established functional studies show a deleterious effect (PS3 downgraded to supporting); Cosegregation with disease in multiple affected family members in a gene definitively known to cause the disease (PP1).

Blueprint Genetics
Classification: Pathogenic for GUCA1A-related disorders. Last evaluated: 2018-11-16. Review status: criteria provided, single submitter. Criteria: ACMG Guidelines, 2015. Collection method: clinical testing. Allele origin: germline. Affected: yes. Observed: 4 variant alleles.

Literature cited by the submitters: PubMed 28041643 (cited by Labcorp Genetics (formerly Invitae), Labcorp); PubMed 30184081 (cited by Labcorp Genetics (formerly Invitae), Labcorp and SIB Swiss Institute of Bioinformatics); PubMed 31882816 (cited by Labcorp Genetics (formerly Invitae), Labcorp).

NM_001384910.1(GUCA1A):c.332A>T (p.Glu111Val)

Genes: GUCA1A (guanylate cyclase activator 1A; plus strand), GUCA1ANB-GUCA1A (GUCA1ANB-GUCA1A readthrough; plus strand). Cytogenetic location: 6p21.1.
Variant type: single nucleotide variant.
Coding change: c.332A>T on transcript NM_001384910.1 (MANE Select); coding-DNA position 332, A replaced by T.
Protein change: p.Glu111Val; replaces glutamic acid 111 with valine.
Molecular consequence: missense variant.
Genome position (GRCh38, 1-based): chr6:42,178,410, A>T. VCF-style: chr6-42178410-A-T. GRCh37 (hg19) VCF-style: chr6-42146148-A-T.
Other names: c.332A>T, p.Glu111Val (NM_000409.5, NM_001319061.2, NM_001319062.2); short protein forms E111V.
Identifiers: ClinVar variation 962836 (VCV000962836.9), dbSNP rs1554186385, ClinGen allele CA364109365.